The following is an entry in ClinVar:

ClinVar aggregate classification (germline): Uncertain significance (1 of 4 stars; one submission).

Allele frequency attached by ClinVar (database versions not stated): ExAC 0.00001.
gnomAD v4.1: 1 of 1,609,496 alleles (0.000062%); highest among the groups gnomAD compares: Admixed American, 0.0017%; no homozygotes.

Submission:

Labcorp Genetics (formerly Invitae), Labcorp
Classification: Uncertain significance. Last evaluated: 2022-07-13. Review status: criteria provided, single submitter. Criteria: Invitae Variant Classification Sherloc (09022015). Collection method: clinical testing. Allele origin: germline.
Comment: In summary, the available evidence is currently insufficient to determine the role of this variant in disease. Therefore, it has been classified as a Variant of Uncertain Significance. Algorithms developed to predict the effect of missense changes on protein structure and function (SIFT, PolyPhen-2, Align-GVGD) all suggest that this variant is likely to be tolerated. This variant has not been reported in the literature in individuals affected with IL6ST-related conditions. This variant is present in population databases (rs775650484, gnomAD 0.003%). This sequence change replaces histidine, which is basic and polar, with arginine, which is basic and polar, at codon 662 of the IL6ST protein (p.His662Arg).

NM_002184.4(IL6ST):c.1985A>G (p.His662Arg)

Gene: IL6ST (interleukin 6 cytokine family signal transducer; minus strand). Cytogenetic location: 5q11.2.
Variant type: single nucleotide variant.
Coding change: c.1985A>G on transcript NM_002184.4 (MANE Select); coding-DNA position 1985, A replaced by G.
Protein change: p.His662Arg; replaces histidine 662 with arginine.
Molecular consequence: missense variant. On other transcripts: 3 prime UTR variant (1), non-coding transcript variant (2).
Genome position (GRCh38, 1-based): chr5:55,942,704, T>C on the plus strand (A>G on the coding strand, the complement: IL6ST is on the minus strand). VCF-style: chr5-55942704-T-C. GRCh37 (hg19) VCF-style: chr5-55238532-T-C.
Other names: c.1802A>G, p.His601Arg (NM_001190981.2); c.1883A>G, p.His628Arg (NM_001364275.2); c.1775A>G, p.His592Arg (NM_001364276.2); c.1118A>G, p.His373Arg (NM_001364277.2); c.1082A>G, p.His361Arg (NM_001364278.2); c.989A>G, p.His330Arg (NM_001364279.2); c.*912A>G (NM_175767.3); short protein forms H373R, H592R, H601R, H361R, H662R, H330R, H628R.
Identifiers: ClinVar variation 1955254 (VCV001955254.5), dbSNP rs775650484, ClinGen allele CA3271240.